The following is an entry in ClinVar:

NM_001282531.3(ADNP):c.2814T>C (p.Thr938=)

Gene: ADNP (activity dependent neuroprotector homeobox; minus strand). Cytogenetic location: 20q13.13.
Variant type: single nucleotide variant.
Coding change: c.2814T>C on transcript NM_001282531.3 (MANE Select); coding-DNA position 2814, T replaced by C.
Protein change: p.Thr938=; no amino-acid change (threonine 938 retained).
Molecular consequence: synonymous variant.
Genome position (GRCh38, 1-based): chr20:50,891,900, A>G on the plus strand (T>C on the coding strand, the complement: ADNP is on the minus strand). VCF-style: chr20-50891900-A-G. GRCh37 (hg19) VCF-style: chr20-49508437-A-G.
Other names: c.2814T>C, p.Thr938= (NM_001282532.2, NM_001347511.2, NM_015339.5 and 1 more transcripts); c.3030T>C, p.Thr1010= (NM_001439000.1); c.2130T>C, p.Thr710= (NM_001439001.1).
Identifiers: ClinVar variation 4993719 (VCV004993719.1).

ClinVar aggregate classification (germline): Likely benign (1 of 4 stars; one submission).

Conditions:
ADNP-related disorder. Also called: ADNP-related condition.

gnomAD v4.1: 4 of 1,614,206 alleles (0.00025%); highest among the groups gnomAD compares: Admixed American, 0.0033%; no homozygotes.

Submission:

PreventionGenetics, part of Exact Sciences
Classification: Likely benign for ADNP-related condition. Last evaluated: 2026-09-24. Review status: criteria provided, single submitter. Criteria: ACMG Guidelines, 2015. Collection method: clinical testing. Allele origin: germline.
Comment: This variant is classified as likely benign based on ACMG/AMP sequence variant interpretation guidelines (Richards et al. 2015 PMID: 25741868, with internal and published modifications).